The following is an entry in ClinVar:

NM_005535.3(IL12RB1):c.124+4C>T

Gene: IL12RB1 (interleukin 12 receptor subunit beta 1; minus strand). Cytogenetic location: 19p13.11.
Variant type: single nucleotide variant.
Coding change: c.124+4C>T on transcript NM_005535.3 (MANE Select); 4 bases into the intron after coding-DNA position 124, C replaced by T.
Molecular consequence: intron variant.
Genome position (GRCh38, 1-based): chr19:18,083,428, G>A on the plus strand (C>T on the coding strand, the complement: IL12RB1 is on the minus strand). VCF-style: chr19-18083428-G-A. GRCh37 (hg19) VCF-style: chr19-18194238-G-A.
Other names: c.244+4C>T (NM_001290024.2, NM_001440427.1, NM_001440426.1); c.124+4C>T (NM_001290023.2, NM_001440425.1, NM_001440424.1 and 1 more transcripts).
Identifiers: ClinVar variation 1017247 (VCV001017247.5), dbSNP rs771664229, ClinGen allele CA9305354.

ClinVar aggregate classification (germline): Conflicting classifications of pathogenicity. Review status: criteria provided, conflicting classifications (1 of 4 stars). 2 submissions from 2 submitters: Uncertain significance (1); Likely benign (1). Last evaluated 2024-04-22.

Conditions:
Mendelian susceptibility to mycobacterial diseases due to complete IL12RB1 deficiency. Also called: IL12RB1 DEFICIENCY; Immunodeficiency 30. Identifiers: Orphanet 319552, MedGen C4013949, MONDO:0013955, OMIM 614891.

Allele frequency attached by ClinVar (database versions not stated): gnomAD 0.00001; gnomAD exomes 0.00002; ExAC 0.00003; TOPMed 0.00005.
gnomAD v4.1: 35 of 1,613,888 alleles (0.0022%); highest among the groups gnomAD compares: Middle Eastern, 0.017%; no homozygotes.

Submissions (2):

Blueprint Genetics
Classification: Likely benign. Last evaluated: 2024-04-22. Review status: criteria provided, single submitter. Criteria: ACMG Guidelines, 2015. Collection method: clinical testing. Allele origin: germline.

Labcorp Genetics (formerly Invitae), Labcorp
Classification: Uncertain significance for Mendelian susceptibility to mycobacterial diseases due to complete IL12RB1 deficiency. Last evaluated: 2022-06-26. Review status: criteria provided, single submitter. Criteria: Invitae Variant Classification Sherloc (09022015). Collection method: clinical testing. Allele origin: germline.
Comment: This sequence change falls in intron 2 of the IL12RB1 gene. It does not directly change the encoded amino acid sequence of the IL12RB1 protein. It affects a nucleotide within the consensus splice site. This variant is present in population databases (rs771664229, gnomAD 0.006%). This variant has not been reported in the literature in individuals affected with IL12RB1-related conditions. ClinVar contains an entry for this variant (Variation ID: 1017247). Variants that disrupt the consensus splice site are a relatively common cause of aberrant splicing (PMID: 17576681, 9536098). Algorithms developed to predict the effect of sequence changes on RNA splicing suggest that this variant is not likely to affect RNA splicing. In summary, the available evidence is currently insufficient to determine the role of this variant in disease. Therefore, it has been classified as a Variant of Uncertain Significance.

Literature cited by the submitters: PubMed 17576681 (cited by Labcorp Genetics (formerly Invitae), Labcorp); PubMed 9536098 (cited by Labcorp Genetics (formerly Invitae), Labcorp).